The following is an entry in ClinVar:

ClinVar aggregate classification (germline): Conflicting classifications of pathogenicity. Review status: criteria provided, conflicting classifications (1 of 4 stars). 2 submissions from 2 submitters: Uncertain significance (1); Likely benign (1). Last evaluated 2026-04-01.

Submissions (2):

CeGaT Center for Human Genetics Tuebingen
Classification: Likely benign. Last evaluated: 2026-04-01. Review status: criteria provided, single submitter. Criteria: CeGaT Center For Human Genetics Tuebingen Variant Classification Criteria Version 2. Collection method: clinical testing. Allele origin: germline. Affected: yes. Observed: 1 variant allele.
Comment: TBC1D8B: BS2

Labcorp Genetics (formerly Invitae), Labcorp
Classification: Uncertain significance. Last evaluated: 2023-11-07. Review status: criteria provided, single submitter. Criteria: Invitae Variant Classification Sherloc (09022015). Collection method: clinical testing. Allele origin: germline.
Comment: This sequence change creates a premature translational stop signal (p.Lys808Serfs*15) in the TBC1D8B gene. It is expected to result in an absent or disrupted protein product. However, the current clinical and genetic evidence is not sufficient to establish whether loss-of-function variants in TBC1D8B cause disease. The frequency data for this variant in the population databases is considered unreliable, as metrics indicate poor data quality at this position in the gnomAD database. This variant has not been reported in the literature in individuals affected with TBC1D8B-related conditions. Algorithms developed to predict the effect of sequence changes on RNA splicing suggest that this variant may disrupt the consensus splice site. In summary, the available evidence is currently insufficient to determine the role of this variant in disease. Therefore, it has been classified as a Variant of Uncertain Significance.

NC_000023.11:g.106865794_106865797del

Gene: TBC1D8B (TBC1 domain family member 8B; plus strand). Cytogenetic location: Xq22.3.
Variant type: Deletion.
Genome position: GRCh38 VCF-style: chrX-106865790-TAGAA-T. GRCh37 (hg19) VCF-style: chrX-106109020-TAGAA-T.
Identifiers: ClinVar variation 2899416 (VCV002899416.5), dbSNP rs757916573, ClinGen allele CA10483358.